The following is an entry in ClinVar:

ClinVar aggregate classification (germline): Uncertain significance (1 of 4 stars; one submission).

Conditions:
Immunodeficiency 35 (IMD35). Also called: HIES WITH ATYPICAL MYCOBACTERIOSIS, AUTOSOMAL RECESSIVE; HYPER-IgE SYNDROME WITH ATYPICAL MYCOBACTERIOSIS, AUTOSOMAL RECESSIVE; TYK2 DEFICIENCY; Susceptibility to infection due to TYK2 deficiency. Identifiers: Orphanet 331226, MedGen C1969086, MONDO:0012682, OMIM 611521.

Allele frequency attached by ClinVar (database versions not stated): TOPMed 0.00002.
gnomAD v4.1: 3 of 1,612,162 alleles (0.00019%); highest among the groups gnomAD compares: African/African-American, 0.0013%; no homozygotes.

Submission:

Labcorp Genetics (formerly Invitae), Labcorp
Classification: Uncertain significance for Immunodeficiency 35. Last evaluated: 2018-03-07. Review status: criteria provided, single submitter. Criteria: Invitae Variant Classification Sherloc (09022015). Collection method: clinical testing. Allele origin: germline.
Comment: This variant is not present in population databases (ExAC no frequency). This sequence change replaces valine with phenylalanine at codon 15 of the TYK2 protein (p.Val15Phe). The valine residue is weakly conserved and there is a small physicochemical difference between valine and phenylalanine. This variant has not been reported in the literature in individuals with TYK2-related disease. Algorithms developed to predict the effect of missense changes on protein structure and function (SIFT, PolyPhen-2, Align-GVGD) all suggest that this variant is likely to be tolerated, but these predictions have not been confirmed by published functional studies and their clinical significance is uncertain. In summary, the available evidence is currently insufficient to determine the role of this variant in disease. Therefore, it has been classified as a Variant of Uncertain Significance.

NM_003331.5(TYK2):c.43G>T (p.Val15Phe)

Gene: TYK2 (tyrosine kinase 2; minus strand). Cytogenetic location: 19p13.2.
Variant type: single nucleotide variant.
Coding change: c.43G>T on transcript NM_003331.5 (MANE Select); coding-DNA position 43, G replaced by T.
Protein change: p.Val15Phe; replaces valine 15 with phenylalanine.
Molecular consequence: missense variant.
Genome position (GRCh38, 1-based): chr19:10,378,364, C>A on the plus strand (G>T on the coding strand, the complement: TYK2 is on the minus strand). VCF-style: chr19-10378364-C-A. GRCh37 (hg19) VCF-style: chr19-10489040-C-A.
Other names: c.43G>T (LRG_121t1); short protein forms V15F.
Identifiers: ClinVar variation 574313 (VCV000574313.7), dbSNP rs374780145, ClinGen allele CA404023165.